The following is an entry in ClinVar:

NM_178857.6(RP1L1):c.1215T>G (p.Tyr405Ter)

Gene: RP1L1 (RP1 like 1). Cytogenetic location: 8p23.1.
Variant type: single nucleotide variant.
Coding change: c.1215T>G on transcript NM_178857.6 (MANE Select); coding-DNA position 1215, T replaced by G.
Protein change: p.Tyr405Ter; replaces tyrosine 405 with a stop codon.
Molecular consequence: nonsense.
Genome position (GRCh38, 1-based): chr8:10,612,883, A>C on the plus strand (T>G on the coding strand, the complement: RP1L1 is on the minus strand). VCF-style: chr8-10612883-A-C. GRCh37 (hg19) VCF-style: chr8-10470393-A-C.
Other names: short protein forms Y405*.
Identifiers: ClinVar variation 2629381 (VCV002629381.2), dbSNP rs902876049, ClinGen allele CA171947817.

ClinVar aggregate classification (germline): Likely pathogenic. Review status: criteria provided, multiple submitters, no conflicts (2 of 4 stars). 2 submissions from 2 submitters: Likely pathogenic (2). Last evaluated 2024-02-16.

Conditions:
RP1L1-related disorder. Also called: RP1L1-related condition.

Allele frequency attached by ClinVar (database versions not stated): gnomAD 0.00001; TOPMed 0.00002.
gnomAD v4.1: 25 of 1,612,414 alleles (0.0016%); highest among the groups gnomAD compares: Non-Finnish European, 0.002%; no homozygotes.

Submissions (2):

Blueprint Genetics
Classification: Likely pathogenic for RP1L1-related disorders. Last evaluated: 2024-02-16. Review status: criteria provided, single submitter. Criteria: ACMG Guidelines, 2015. Collection method: clinical testing. Allele origin: germline. Affected: yes. Observed: 4 variant alleles.

PreventionGenetics, part of Exact Sciences
Classification: Likely pathogenic for RP1L1-related condition. Last evaluated: 2023-02-09. Review status: criteria provided, single submitter. Criteria: ACMG Guidelines, 2015. Collection method: clinical testing. Allele origin: germline.
Comment: The RP1L1 c.1215T>G variant is predicted to result in premature protein termination (p.Tyr405*). To our knowledge, this variant has not been reported in the literature. This variant is reported in 0.0029% of alleles in individuals of Latino descent in gnomAD. Nonsense variants in RP1L1, even in the terminal exon, are expected to be pathogenic. We interpret c.1215T>G (p.Tyr405*) as likely pathogenic.